The following is an entry in ClinVar:

ClinVar aggregate classification (germline): Uncertain significance (1 of 4 stars; one submission).

Conditions:
Hereditary cancer-predisposing syndrome. Also called: Neoplastic Syndromes, Hereditary; Tumor predisposition; Hereditary Cancer Syndrome; Hereditary neoplastic syndrome. Identifiers: Orphanet 140162, MedGen C0027672, MeSH D009386, MONDO:0015356.

Submission:

Ambry Genetics
Classification: Uncertain significance for Hereditary cancer-predisposing syndrome. Last evaluated: 2026-04-10. Review status: criteria provided, single submitter. Criteria: Ambry Variant Classification Scheme 2023. Collection method: clinical testing. Allele origin: germline.
Comment: The p.S520C variant (also known as c.1558A>T), located in coding exon 9 of the DICER1 gene, results from an A to T substitution at nucleotide position 1558. The serine at codon 520 is replaced by cysteine, an amino acid with dissimilar properties. This amino acid position is conserved. In addition, this alteration is predicted to be deleterious by in silico analysis. Based on the available evidence, the clinical significance of this variant remains unclear.

NM_177438.3(DICER1):c.1558A>T (p.Ser520Cys)

Gene: DICER1 (dicer 1, ribonuclease III; minus strand). Cytogenetic location: 14q32.13.
Variant type: single nucleotide variant.
Coding change: c.1558A>T on transcript NM_177438.3 (MANE Select); coding-DNA position 1558, A replaced by T.
Protein change: p.Ser520Cys; replaces serine 520 with cysteine.
Molecular consequence: missense variant. On other transcripts: non-coding transcript variant (6), intron variant (1).
Genome position (GRCh38, 1-based): chr14:95,116,647, T>A on the plus strand (A>T on the coding strand, the complement: DICER1 is on the minus strand). VCF-style: chr14-95116647-T-A. GRCh37 (hg19) VCF-style: chr14-95582984-T-A.
Other names: c.1558A>T, p.Ser520Cys (NM_001195573.1, NM_001271282.3, NM_001291628.2 and 12 more transcripts); c.1276A>T, p.Ser426Cys (NM_001395686.1); c.1153A>T, p.Ser385Cys (NM_001395687.1, NM_001395688.1, NM_001395689.1 and 3 more transcripts); c.991A>T, p.Ser331Cys (NM_001395691.1); c.-59-67A>T (NM_001395697.1); short protein forms S331C, S385C, S426C, S520C.
Identifiers: ClinVar variation 4869754 (VCV004869754.1).